The following is an entry in ClinVar:

ClinVar aggregate classification (germline): Uncertain significance. Review status: criteria provided, multiple submitters, no conflicts (2 of 4 stars). 2 submissions from 2 submitters: Uncertain significance (2). Last evaluated 2025-09-09.

Allele frequency attached by ClinVar (database versions not stated): gnomAD 0.00001; TOPMed 0.00001; gnomAD exomes 0.00003.
gnomAD v4.1: 8 of 398,748 alleles (0.002%); highest among the groups gnomAD compares: Non-Finnish European, 0.0035%; no homozygotes.

Submissions (2):

Women's Health and Genetics/Laboratory Corporation of America, LabCorp
Classification: Uncertain significance. Last evaluated: 2025-09-09. Review status: criteria provided, single submitter. Criteria: LabCorp Variant Classification Summary - May 2015. Collection method: clinical testing. Allele origin: germline.
Comment: Variant summary: CIC NM_015125 c.-10713C>T, also known as NM_001304815 c.2209C>T p.Pro737Ser, is located in the untranscribed region upstream of the CIC gene region. The variant was absent in 31312 control chromosomes. The available data on variant occurrences in the general population are insufficient to allow any conclusion about variant significance. To our knowledge, no occurrence of c.-10713C>T in individuals affected with CIC-related conditions and no experimental evidence demonstrating its impact on protein function have been reported. ClinVar contains an entry for this variant (Variation ID: 3025548). Based on the evidence outlined above, the variant was classified as uncertain significance.

CeGaT Center for Human Genetics Tuebingen
Classification: Uncertain significance. Last evaluated: 2024-01-01. Review status: criteria provided, single submitter. Criteria: CeGaT Center For Human Genetics Tuebingen Variant Classification Criteria Version 2. Collection method: clinical testing. Allele origin: germline. Affected: yes. Observed: 2 variant alleles.

NM_001386298.1(CIC):c.2209C>T (p.Pro737Ser)

Gene: CIC (capicua transcriptional repressor; plus strand). Cytogenetic location: 19q13.2.
Variant type: single nucleotide variant.
Coding change: c.2209C>T on transcript NM_001386298.1 (MANE Select); coding-DNA position 2209, C replaced by T.
Protein change: p.Pro737Ser; replaces proline 737 with serine.
Molecular consequence: missense variant.
Genome position (GRCh38, 1-based): chr19:42,273,992, C>T. VCF-style: chr19-42273992-C-T. GRCh37 (hg19) VCF-style: chr19-42778144-C-T.
Other names: c.2209C>T, p.Pro737Ser (NM_001304815.2, NM_001379480.1, NM_001379482.1 and 1 more transcripts); c.-10713C>T (NM_015125.5); short protein forms P737S.
Identifiers: ClinVar variation 3025548 (VCV003025548.22), dbSNP rs1273579690, ClinGen allele CA406088500.